The following is an entry in ClinVar:

ClinVar aggregate classification (germline): Uncertain significance. Review status: criteria provided, multiple submitters, no conflicts (2 of 4 stars). 2 submissions from 2 submitters: Uncertain significance (2). Last evaluated 2023-06-04.

Conditions:
Inborn genetic diseases. Identifiers: MedGen C0950123, MeSH D030342.

Allele frequency attached by ClinVar (database versions not stated): TOPMed below 0.00001; gnomAD exomes 0.00001; gnomAD 0.00004.
gnomAD v4.1: 12 of 1,614,074 alleles (0.00074%); highest among the groups gnomAD compares: Admixed American, 0.017%; no homozygotes.

Submissions (2):

Labcorp Genetics (formerly Invitae), Labcorp
Classification: Uncertain significance. Last evaluated: 2023-06-04. Review status: criteria provided, single submitter. Criteria: Invitae Variant Classification Sherloc (09022015). Collection method: clinical testing. Allele origin: germline.
Comment: In summary, the available evidence is currently insufficient to determine the role of this variant in disease. Therefore, it has been classified as a Variant of Uncertain Significance. An algorithm developed to predict the effect of missense changes on protein structure and function (PolyPhen-2) suggests that this variant is likely to be tolerated. ClinVar contains an entry for this variant (Variation ID: 2308896). This variant has not been reported in the literature in individuals affected with DIP2C-related conditions. This variant is present in population databases (no rsID available, gnomAD 0.009%). This sequence change replaces methionine, which is neutral and non-polar, with threonine, which is neutral and polar, at codon 340 of the DIP2C protein (p.Met340Thr).

Ambry Genetics
Classification: Uncertain significance for Inborn genetic diseases. Last evaluated: 2022-08-26. Review status: criteria provided, single submitter. Criteria: Ambry Variant Classification Scheme 2023. Collection method: clinical testing. Allele origin: germline.

NM_014974.3(DIP2C):c.1019T>C (p.Met340Thr)

Gene: DIP2C (DIP2 acetate--CoA ligase C (putative); minus strand). Cytogenetic location: 10p15.3.
Variant type: single nucleotide variant.
Coding change: c.1019T>C on transcript NM_014974.3 (MANE Select); coding-DNA position 1019, T replaced by C.
Protein change: p.Met340Thr; replaces methionine 340 with threonine.
Molecular consequence: missense variant.
Genome position (GRCh38, 1-based): chr10:413,951, A>G on the plus strand (T>C on the coding strand, the complement: DIP2C is on the minus strand). VCF-style: chr10-413951-A-G. GRCh37 (hg19) VCF-style: chr10-459891-A-G.
Other names: short protein forms M340T.
Identifiers: ClinVar variation 2308896 (VCV002308896.5), dbSNP rs1331190558, ClinGen allele CA375831923.
Genomic context (GRCh38, chr10:413,951, plus strand): 5'-AGAGAGTGAGCCTGGGGATTACCGTAAGTGAGGATGTAGAGGGGCTTCCCGTTGGTGTCC[A>G]TGGTGGTCAGGCAGGGCGCCTTGGGCGAGATGGTGCCCCACCTCTGCAGTGCGGCCTCCA-3'
Protein context (NP_055789.1, residues 330-350): ISPKAPCLTT[Met340Thr]DTNGKPLYIL